The following is an entry in ClinVar:

ClinVar aggregate classification (germline): Uncertain significance. Review status: criteria provided, multiple submitters, no conflicts (2 of 4 stars). 3 submissions from 3 submitters: Uncertain significance (3). Last evaluated 2026-04-08.

Conditions:
Inborn genetic diseases. Identifiers: MedGen C0950123, MeSH D030342.

Allele frequency attached by ClinVar (database versions not stated): TOPMed below 0.00001; gnomAD exomes 0.00001.
gnomAD v4.1: 14 of 1,614,228 alleles (0.00087%); highest among the groups gnomAD compares: Non-Finnish European, 0.0012%; no homozygotes.

Submissions (3):

Ambry Genetics
Classification: Uncertain significance for Inborn genetic diseases. Last evaluated: 2026-04-08. Review status: criteria provided, single submitter. Criteria: Ambry Variant Classification Scheme 2023. Collection method: clinical testing. Allele origin: germline.

Labcorp Genetics (formerly Invitae), Labcorp
Classification: Uncertain significance. Last evaluated: 2025-10-24. Review status: criteria provided, single submitter. Criteria: Invitae Variant Classification Sherloc (09022015). Collection method: clinical testing. Allele origin: germline.
Comment: This sequence change replaces glycine, which is neutral and non-polar, with serine, which is neutral and polar, at codon 569 of the HK1 protein (p.Gly569Ser). This variant is not present in population databases (gnomAD no frequency). This variant has not been reported in the literature in individuals affected with HK1-related conditions. ClinVar contains an entry for this variant (Variation ID: 1368645). Invitae Evidence Modeling of protein sequence and biophysical properties (such as structural, functional, and spatial information, amino acid conservation, physicochemical variation, residue mobility, and thermodynamic stability) indicates that this missense variant is not expected to disrupt HK1 protein function with a negative predictive value of 80%. In summary, the available evidence is currently insufficient to determine the role of this variant in disease. Therefore, it has been classified as a Variant of Uncertain Significance.

CeGaT Center for Human Genetics Tuebingen
Classification: Uncertain significance. Last evaluated: 2023-10-01. Review status: criteria provided, single submitter. Criteria: CeGaT Center For Human Genetics Tuebingen Variant Classification Criteria Version 2. Collection method: clinical testing. Allele origin: germline. Affected: yes. Observed: 1 variant allele.
Comment: HK1: PM2

NM_000188.3(HK1):c.1705G>A (p.Gly569Ser)

Gene: HK1 (hexokinase 1; plus strand). Cytogenetic location: 10q22.1.
Variant type: single nucleotide variant.
Coding change: c.1705G>A on transcript NM_000188.3 (MANE Select); coding-DNA position 1705, G replaced by A.
Protein change: p.Gly569Ser; replaces glycine 569 with serine.
Molecular consequence: missense variant.
Genome position (GRCh38, 1-based): chr10:69,384,467, G>A. VCF-style: chr10-69384467-G-A. GRCh37 (hg19) VCF-style: chr10-71144223-G-A.
Other names: c.1705G>A (NM_000188.2); c.1717G>A, p.Gly573Ser (NM_001322364.2, NM_001358263.1, NM_033497.3 and 1 more transcripts); c.1810G>A, p.Gly604Ser (NM_001322365.2); c.1621G>A, p.Gly541Ser (NM_001322366.1); c.1609G>A, p.Gly537Ser (NM_001322367.1); c.1702G>A, p.Gly568Ser (NM_033496.3); c.1669G>A, p.Gly557Ser (NM_033500.2); short protein forms G537S, G568S, G573S, G604S, G557S, G541S, G569S.
Identifiers: ClinVar variation 1368645 (VCV001368645.30), dbSNP rs1839535083, ClinGen allele CA376911445.
Genomic context (GRCh38, chr10:69,384,467, plus strand): 5'-AAAAAGAGAACGGTGGAAATGCACAACAAGATCTACGCCATTCCTATTGAAATCATGCAG[G>A]GCACTGGGGAAGAGGTGAGATTACAAAACCATAGTGCATGTGCACTGCACACACGGCCAG-3'
Protein context (NP_000179.2, residues 559-579): IYAIPIEIMQ[Gly569Ser]TGEELFDHIV